The following is an entry in ClinVar:

NM_001276345.2(TNNT2):c.720-7C>T

Gene: TNNT2 (troponin T2, cardiac type; minus strand). Cytogenetic location: 1q32.1.
Variant type: single nucleotide variant.
Coding change: c.720-7C>T on transcript NM_001276345.2 (MANE Select); 7 bases into the intron before coding-DNA position 720, C replaced by T.
Molecular consequence: intron variant.
Genome position (GRCh38, 1-based): chr1:201,361,376, G>A on the plus strand (C>T on the coding strand, the complement: TNNT2 is on the minus strand). VCF-style: chr1-201361376-G-A. GRCh37 (hg19) VCF-style: chr1-201330504-G-A.
Other names: c.672-7C>T (NM_001001432.3); c.681-7C>T (NM_001001431.3); c.690-7C>T (NM_001001430.3, NM_001276347.2); c.591-7C>T (NM_001276346.2); c.711-7C>T (NM_000364.4).
Identifiers: ClinVar variation 43666 (VCV000043666.51), dbSNP rs376303087, ClinGen allele CA005000.

ClinVar aggregate classification (germline): Conflicting classifications of pathogenicity. Review status: criteria provided, conflicting classifications (1 of 4 stars). 13 submissions from 12 submitters: Uncertain significance (4); Benign (1); Likely benign (6). 2 of the submissions do not count toward it. Last evaluated 2025-12-16.

Conditions:
TNNT2-related disorder. Also called: TNNT2-related condition.
Dilated cardiomyopathy 1D. Identifiers: Orphanet 154, Orphanet 54260, MedGen C1832243, MONDO:0011095, OMIM 601494.
Cardiomyopathy, familial restrictive, 3. Identifiers: Orphanet 75249, MedGen C2676271, MONDO:0012900, OMIM 612422.
Hypertrophic cardiomyopathy 2. Also called: TNNT2-Related Familial Hypertrophic Cardiomyopathy. Identifiers: MedGen C1861864, MONDO:0007266, OMIM 115195.
Cardiomyopathy (CMYO). Also called: Cardiomyopathies. Identifiers: Orphanet 167848, MedGen C0878544, MONDO:0004994, HP:0001638. Inheritance: Various modes of inheritance.

Allele frequency attached by ClinVar (database versions not stated): gnomAD 0.00003 and 0.00004; TOPMed 0.00003; gnomAD exomes 0.00004; ExAC 0.00006; ESP Exome Variant Server 0.00008.
gnomAD v4.1: 68 of 1,613,476 alleles (0.0042%); highest among the groups gnomAD compares: Middle Eastern, 0.017%; 1 homozygote.

Submissions (13):

Labcorp Genetics (formerly Invitae), Labcorp
Classification: Likely benign for Cardiomyopathy, familial restrictive, 3; Hypertrophic cardiomyopathy 2; Dilated cardiomyopathy 1D. Last evaluated: 2025-12-16. Review status: criteria provided, single submitter. Criteria: Invitae Variant Classification Sherloc (09022015). Collection method: clinical testing. Allele origin: germline.

Molecular Diagnostic Laboratory for Inherited Cardiovascular Disease, Montreal Heart Institute
Classification: Likely benign. Last evaluated: 2025-04-09. Review status: criteria provided, single submitter. Criteria: ACMG Guidelines, 2015. Collection method: clinical testing. Allele origin: germline. Affected: no.

Blueprint Genetics
Classification: Likely benign. Last evaluated: 2024-11-13. Review status: criteria provided, single submitter. Criteria: ACMG Guidelines, 2015. Collection method: clinical testing. Allele origin: germline.

All of Us Research Program, National Institutes of Health
Classification: Likely benign for Cardiomyopathy. Last evaluated: 2024-02-05. Review status: criteria provided, single submitter. Criteria: ACMG Guidelines, 2015. Collection method: clinical testing. Allele origin: germline. Inheritance: Autosomal dominant inheritance. Observed: 24 variant alleles, 24 heterozygotes.
Comment: This study involves interpretation of variants in research participants for the purpose of population health screening. Participant phenotype was not available at the time of variant classification. Additional details can be found in publication PMID: 35346344, PMCID: PMC8962531

CeGaT Center for Human Genetics Tuebingen
Classification: Likely benign. Last evaluated: 2023-11-01. Review status: criteria provided, single submitter. Criteria: CeGaT Center For Human Genetics Tuebingen Variant Classification Criteria Version 2. Collection method: clinical testing. Allele origin: germline. Affected: yes. Observed: 1 variant allele.
Comment: TNNT2: BP4

CHEO Genetics Diagnostic Laboratory, Children's Hospital of Eastern Ontario
Classification: Uncertain significance for Cardiomyopathy. Last evaluated: 2022-11-16. Review status: criteria provided, single submitter. Criteria: ACMG Guidelines, 2015. Collection method: clinical testing. Allele origin: germline.

Institute of Human Genetics, University of Leipzig Medical Center
Classification: Uncertain significance for Dilated cardiomyopathy 1D. Last evaluated: 2019-01-01. Review status: criteria provided, single submitter. Criteria: ACMG Guidelines, 2015. Collection method: clinical testing. Allele origin: unknown. Affected: yes.

Color Diagnostics, LLC DBA Color Health
Classification: Likely benign for Cardiomyopathy. Last evaluated: 2018-11-16. Review status: criteria provided, single submitter. Criteria: ACMG Guidelines, 2015. Collection method: clinical testing. Allele origin: germline.

Illumina Laboratory Services, Illumina
Classification: Uncertain significance for Cardiomyopathy, familial restrictive, 3. Last evaluated: 2018-01-13. Review status: criteria provided, single submitter. Criteria: ICSL Variant Classification Criteria 13 December 2019. Collection method: clinical testing. Allele origin: germline.

Illumina Laboratory Services, Illumina
Classification: Uncertain significance for Hypertrophic cardiomyopathy 2. Last evaluated: 2018-01-13. Review status: criteria provided, single submitter. Criteria: ICSL Variant Classification Criteria 13 December 2019. Collection method: clinical testing. Allele origin: germline.

GeneDx
Classification: Benign. Last evaluated: 2015-03-03. Review status: criteria provided, single submitter. Criteria: GeneDx Variant Classification Process June 2021. Collection method: clinical testing. Allele origin: germline. Affected: yes.

PreventionGenetics, part of Exact Sciences
Classification: Likely benign for TNNT2-related condition. Last evaluated: 2020-08-17. Review status: no assertion criteria provided. Collection method: clinical testing. Allele origin: germline. Not counted in ClinVar's aggregate classification.
Comment: This variant is classified as likely benign based on ACMG/AMP sequence variant interpretation guidelines (Richards et al. 2015 PMID: 25741868, with internal and published modifications).

Laboratory for Molecular Medicine, Mass General Brigham Personalized Medicine
Classification: Uncertain significance. Last evaluated: 2008-03-01. Review status: no assertion criteria provided. Collection method: clinical testing. Allele origin: germline. Observed: 2 variant alleles. Not counted in ClinVar's aggregate classification.